The following is an entry in ClinVar:

NM_001231.5(CASQ1):c.1148del (p.Gly383fs)

Gene: CASQ1 (calsequestrin 1; plus strand). Cytogenetic location: 1q23.2.
Variant type: Deletion.
Coding change: c.1148del on transcript NM_001231.5 (MANE Select); coding-DNA position 1148, one base deleted (G; older notation c.1148delG).
Protein change: p.Gly383fs; shifts the reading frame from glycine 383.
Molecular consequence: frameshift variant.
Genome position (GRCh38, 1-based): chr1:160,201,333, G deleted; the last of 3 consecutive G bases (chr1:160,201,331-160,201,333); deleting any one gives the same sequence. VCF-style (leftmost placement, unchanged base first): chr1-160201330-AG-A. GRCh37 (hg19) VCF-style: chr1-160171120-AG-A.
Other names: c.1148del (NM_001231.4); short protein forms G383fs.
Identifiers: ClinVar variation 1801697 (VCV001801697.6), dbSNP rs1314653934, ClinGen allele CA2580061266.

ClinVar aggregate classification (germline): Uncertain significance. Review status: criteria provided, multiple submitters, no conflicts (2 of 4 stars). 4 submissions from 4 submitters: Uncertain significance (3). 1 of the submissions does not count toward it. Last evaluated 2025-07-12.

Conditions:
Myopathy. Identifiers: MedGen C0026848, MeSH D009135, MONDO:0005336, HP:0003198.
Myopathy due to calsequestrin and SERCA1 protein overload. Also called: Myopathy, vacuolar, with casq1 aggregates. Identifiers: Orphanet 88635, MedGen C4015624, MONDO:0014546, OMIM 616231.

Submissions (4):

GeneDx
Classification: Uncertain significance. Last evaluated: 2025-07-12. Review status: criteria provided, single submitter. Criteria: GeneDx Variant Classification Process June 2021. Collection method: clinical testing. Allele origin: germline. Affected: yes.
Comment: Not observed at significant frequency in large population cohorts (gnomAD); Has not been previously published as pathogenic or benign to our knowledge; Frameshift variant predicted to result in abnormal protein length as the last 14 amino acid(s) are replaced with 38 different amino acid(s) with an unclear effect on protein function

Labcorp Genetics (formerly Invitae), Labcorp
Classification: Uncertain significance. Last evaluated: 2023-01-20. Review status: criteria provided, single submitter. Criteria: Invitae Variant Classification Sherloc (09022015). Collection method: clinical testing. Allele origin: germline.
Comment: This variant is not present in population databases (gnomAD no frequency). This sequence change results in a frameshift in the CASQ1 gene (p.Gly383Alafs*39). While this is not anticipated to result in nonsense mediated decay, it is expected to disrupt the last 14 amino acid(s) of the CASQ1 protein and extend the protein by 24 additional amino acid residues. This variant has not been reported in the literature in individuals affected with CASQ1-related conditions. ClinVar contains an entry for this variant (Variation ID: 1801697). Experimental studies and prediction algorithms are not available or were not evaluated, and the functional significance of this variant is currently unknown. In summary, the available evidence is currently insufficient to determine the role of this variant in disease. Therefore, it has been classified as a Variant of Uncertain Significance.

Human Genetics Bochum, Ruhr University Bochum
Classification: Uncertain significance for Myopathy. Last evaluated: 2022-07-18. Review status: criteria provided, single submitter. Criteria: ACMG Guidelines, 2015. Collection method: clinical testing. Allele origin: germline. Affected: yes.
Comment: ACMG criteria used to clasify this variant: PVS1_MOD, PM4, PM2_SUP

Clinical Genetics Laboratory, University Hospital Schleswig-Holstein
Classification: Uncertain significance for Myopathy due to calsequestrin and SERCA1 protein overload. Last evaluated: 2024-05-31. Review status: no assertion criteria provided. Collection method: clinical testing. Allele origin: germline. Affected: yes. Not counted in ClinVar's aggregate classification.